The following is an entry in ClinVar:

NM_032119.4(ADGRV1):c.18264G>C (p.Gln6088His)

Gene: ADGRV1 (adhesion G protein-coupled receptor V1; plus strand). Cytogenetic location: 5q14.3.
Variant type: single nucleotide variant.
Coding change: c.18264G>C on transcript NM_032119.4 (MANE Select); coding-DNA position 18264, G replaced by C.
Protein change: p.Gln6088His; replaces glutamine 6088 with histidine.
Molecular consequence: missense variant. On other transcripts: non-coding transcript variant (1).
Genome position (GRCh38, 1-based): chr5:91,072,558, G>C. VCF-style: chr5-91072558-G-C. GRCh37 (hg19) VCF-style: chr5-90368375-G-C.
Other names: short protein forms Q6088H.
Identifiers: ClinVar variation 1420401 (VCV001420401.6), dbSNP rs1174009587, ClinGen allele CA360431862.

ClinVar aggregate classification (germline): Uncertain significance (1 of 4 stars; one submission).

Submission:

Labcorp Genetics (formerly Invitae), Labcorp
Classification: Uncertain significance. Last evaluated: 2021-08-26. Review status: criteria provided, single submitter. Criteria: Invitae Variant Classification Sherloc (09022015). Collection method: clinical testing. Allele origin: germline.
Comment: In summary, the available evidence is currently insufficient to determine the role of this variant in disease. Therefore, it has been classified as a Variant of Uncertain Significance. Algorithms developed to predict the effect of missense changes on protein structure and function are either unavailable or do not agree on the potential impact of this missense change (SIFT: "Deleterious"; PolyPhen-2: "Probably Damaging"; Align-GVGD: "Class C0"). This variant has not been reported in the literature in individuals affected with ADGRV1-related conditions. This variant is not present in population databases (ExAC no frequency). This sequence change replaces glutamine with histidine at codon 6088 of the ADGRV1 protein (p.Gln6088His). The glutamine residue is moderately conserved and there is a small physicochemical difference between glutamine and histidine.